The following is an entry in ClinVar:

NM_004826.4(ECEL1):c.2198T>C (p.Leu733Pro)

Gene: ECEL1 (endothelin converting enzyme like 1; minus strand). Cytogenetic location: 2q37.1.
Variant type: single nucleotide variant.
Coding change: c.2198T>C on transcript NM_004826.4 (MANE Select); coding-DNA position 2198, T replaced by C.
Protein change: p.Leu733Pro; replaces leucine 733 with proline.
Molecular consequence: missense variant.
Genome position (GRCh38, 1-based): chr2:232,480,429, A>G on the plus strand (T>C on the coding strand, the complement: ECEL1 is on the minus strand). VCF-style: chr2-232480429-A-G. GRCh37 (hg19) VCF-style: chr2-233345139-A-G.
Other names: c.2192T>C, p.Leu731Pro (NM_001290787.2); short protein forms L731P, L733P.
Identifiers: ClinVar variation 2635911 (VCV002635911.2), dbSNP rs139624409, ClinGen allele CA2166888.

ClinVar aggregate classification (germline): Uncertain significance (1 of 4 stars; one submission).

Conditions:
ECEL1-related disorder. Also called: ECEL1-related condition.

Allele frequency attached by ClinVar (database versions not stated): ExAC 0.00002; gnomAD 0.00003; gnomAD exomes 0.00003; TOPMed 0.00005; ESP Exome Variant Server 0.00008.
gnomAD v4.1: 43 of 1,613,866 alleles (0.0027%); highest among the groups gnomAD compares: Non-Finnish European, 0.0036%; no homozygotes.

Submission:

PreventionGenetics, part of Exact Sciences
Classification: Uncertain significance for ECEL1-related condition. Last evaluated: 2025-10-31. Review status: criteria provided, single submitter. Criteria: ACMG Guidelines, 2015. Collection method: clinical testing. Allele origin: germline.
Comment: The ECEL1 c.2198T>C variant is predicted to result in the amino acid substitution p.Leu733Pro. To our knowledge, this variant has not been reported in the literature. This variant is reported in 0.0035% of alleles in individuals of European (non-Finnish) descent in gnomAD. At this time, the clinical significance of this variant is uncertain due to the absence of conclusive functional and genetic evidence.